The following is an entry in ClinVar:

NM_004793.4(LONP1):c.2008G>T (p.Ala670Ser)

Gene: LONP1 (lon peptidase 1, mitochondrial; minus strand). Cytogenetic location: 19p13.3.
Variant type: single nucleotide variant.
Coding change: c.2008G>T on transcript NM_004793.4 (MANE Select); coding-DNA position 2008, G replaced by T.
Protein change: p.Ala670Ser; replaces alanine 670 with serine.
Molecular consequence: missense variant. On other transcripts: non-coding transcript variant (1).
Genome position (GRCh38, 1-based): chr19:5,696,059, C>A on the plus strand (G>T on the coding strand, the complement: LONP1 is on the minus strand). VCF-style: chr19-5696059-C-A. GRCh37 (hg19) VCF-style: chr19-5696070-C-A.
Other names: c.1816G>T, p.Ala606Ser (NM_001276479.2); c.1420G>T, p.Ala474Ser (NM_001276480.1); short protein forms A670S, A474S, A606S.
Identifiers: ClinVar variation 383570 (VCV000383570.2), dbSNP rs1057521679, ClinGen allele CA16608398.

ClinVar aggregate classification (germline): Likely pathogenic (1 of 4 stars; one submission).

Submission:

GeneDx
Classification: Likely pathogenic. Last evaluated: 2016-02-02. Review status: criteria provided, single submitter. Criteria: GeneDx Variant Classification (06012015). Collection method: clinical testing. Allele origin: germline. Affected: yes.
Comment: The A670S variant in the LONP1 gene has not been reported previously as a pathogenic variant, nor as a benign variant, to our knowledge; however, a missense variant at this same codon (A670V) has been reported in the apparently homozygous state, and in the heterozygous state with an in-frame deletion (phase not confirmed), in two individuals with a clinical diagnosis of CODAS syndrome (Dikoglu et al., 2015). The A670S variant was not observed in approximately 6500 individuals of European and African American ancestry in the NHLBI Exome Sequencing Project, indicating it is not a common benign variant in these populations. This variant is a non-conservative amino acid substitution, which is likely to impact secondary protein structure as these residues differ in polarity, charge, size and/or other properties. This substitution occurs at a position that is conserved across species, and in silico analysis predicts this variant is probably damaging to the protein structure/function. The A670S variant is a strong candidate for a pathogenic variant; however, the possibility it may be a rare benign variant cannot be excluded.